The following is an entry in ClinVar:

NM_001375524.1(TRRAP):c.8924A>G (p.Lys2975Arg)

Gene: TRRAP (transformation/transcription domain associated protein; plus strand). Cytogenetic location: 7q22.1.
Variant type: single nucleotide variant.
Coding change: c.8924A>G on transcript NM_001375524.1 (MANE Select); coding-DNA position 8924, A replaced by G.
Protein change: p.Lys2975Arg; replaces lysine 2975 with arginine.
Molecular consequence: missense variant.
Genome position (GRCh38, 1-based): chr7:98,983,361, A>G. VCF-style: chr7-98983361-A-G. GRCh37 (hg19) VCF-style: chr7-98580984-A-G.
Other names: c.8849A>G, p.Lys2950Arg (NM_003496.4); c.8903A>G, p.Lys2968Arg (NM_001244580.2); short protein forms K2950R, K2968R, K2975R.
Identifiers: ClinVar variation 4881324 (VCV004881324.2).

ClinVar aggregate classification (germline): Uncertain significance (1 of 4 stars; one submission).

Conditions:
Developmental delay with or without dysmorphic facies and autism. Identifiers: MedGen C5193106, MONDO:0032760, OMIM 618454.

Submission:

Dasa
Classification: Uncertain significance for developmental delay with or without dysmorphic facies and autism. Last evaluated: 2025-04-22. Review status: criteria provided, single submitter. Criteria: DASA Assertion Criteria. Collection method: clinical testing. Allele origin: germline.
Comment: NM_001375524.1(TRRAP):c.8924A>G (p.Lys2975Arg) is a missense variant that results in the substitution of lysine with arginine. This variant is absent from population databases. The currently available literature and clinical evidence are not sufficient to establish a definitive association between this variant and the reported condition. Therefore, this variant is classified as a variant of uncertain significance.